The following is an entry in ClinVar:

ClinVar aggregate classification (germline): Uncertain significance (1 of 4 stars; one submission).

Conditions:
Dilated cardiomyopathy 1G (CMD1G). Identifiers: Orphanet 154, MedGen C1858763, MONDO:0011400, OMIM 604145.
Autosomal recessive limb-girdle muscular dystrophy type 2J (LGMDR10). Also called: MUSCULAR DYSTROPHY, LIMB-GIRDLE, AUTOSOMAL RECESSIVE 10; Limb-girdle muscular dystrophy, type 2J. Identifiers: Orphanet 140922, MedGen C1837342, MONDO:0012127, OMIM 608807.

Allele frequency attached by ClinVar (database versions not stated): gnomAD exomes below 0.00001; gnomAD 0.00001; TOPMed 0.00002.
gnomAD v4.1: 3 of 1,611,674 alleles (0.00019%); highest among the groups gnomAD compares: Admixed American, 0.0034%; no homozygotes.

Submission:

Labcorp Genetics (formerly Invitae), Labcorp
Classification: Uncertain significance for Dilated cardiomyopathy 1G; Autosomal recessive limb-girdle muscular dystrophy type 2J. Last evaluated: 2026-01-19. Review status: criteria provided, single submitter. Criteria: Invitae Variant Classification Sherloc (09022015). Collection method: clinical testing. Allele origin: germline.
Comment: This sequence change falls in intron 235 of the TTN gene. It does not directly change the encoded amino acid sequence of the TTN protein. It affects a nucleotide within the consensus splice site. This variant is present in population databases (no rsID available, gnomAD no frequency). This variant has not been reported in the literature in individuals affected with TTN-related conditions. ClinVar contains an entry for this variant (Variation ID: 1416454). Variants that disrupt the consensus splice site are a relatively common cause of aberrant splicing (PMID: 17576681, 9536098). Algorithms developed to predict the effect of sequence changes on RNA splicing suggest that this variant may disrupt the consensus splice site. This variant is located in the I band of TTN (PMID: 25589632). Non-truncating variants in this region may be clinically relevant, but have not been definitively shown to cause cardiomyopathy or neuromuscular disease (PMID: 27493940, 32778822). In summary, the available evidence is currently insufficient to determine the role of this variant in disease. Therefore, it has been classified as a Variant of Uncertain Significance.

Literature cited by the submitters: PubMed 17576681; PubMed 9536098; PubMed 25589632; PubMed 27493940; PubMed 32778822.

NM_001267550.2(TTN):c.43480+3A>T

Gene: TTN (titin; minus strand). Cytogenetic location: 2q31.2.
Variant type: single nucleotide variant.
Coding change: c.43480+3A>T on transcript NM_001267550.2 (MANE Select); 3 bases into the intron after coding-DNA position 43480, A replaced by T.
Molecular consequence: intron variant.
Genome position (GRCh38, 1-based): chr2:178,632,523, T>A on the plus strand (A>T on the coding strand, the complement: TTN is on the minus strand). VCF-style: chr2-178632523-T-A. GRCh37 (hg19) VCF-style: chr2-179497250-T-A.
Other names: c.16285+3A>T (NM_003319.4); c.16861+3A>T (NM_133437.4); c.16660+3A>T (NM_133432.3); c.35776+3A>T (NM_133378.4); c.38557+3A>T (NM_001256850.1).
Identifiers: ClinVar variation 1416454 (VCV001416454.8), dbSNP rs1471215133, ClinGen allele CA538435976.